The following is an entry in ClinVar:

ClinVar aggregate classification (germline): Conflicting classifications of pathogenicity. Review status: criteria provided, conflicting classifications (1 of 4 stars). 3 submissions from 3 submitters: Uncertain significance (1); Likely benign (2). Last evaluated 2023-08-10.

Conditions:
Inborn genetic diseases. Identifiers: MedGen C0950123, MeSH D030342.
Intellectual developmental disorder, autosomal dominant 1. Also called: MBD5 Haploinsufficiency; Intellectual disability, autosomal dominant 1. Identifiers: Orphanet 228402, MedGen C1969562, MONDO:0007974, OMIM 156200.

Allele frequency attached by ClinVar (database versions not stated): TOPMed 0.00001; gnomAD 0.00001; gnomAD exomes below 0.00001.
gnomAD v4.1: 2 of 1,613,624 alleles (0.00012%); highest among the groups gnomAD compares: South Asian, 0.0011%; no homozygotes.

Submissions (3):

Labcorp Genetics (formerly Invitae), Labcorp
Classification: Likely benign for Intellectual developmental disorder, autosomal dominant 1. Last evaluated: 2023-08-10. Review status: criteria provided, single submitter. Criteria: Invitae Variant Classification Sherloc (09022015). Collection method: clinical testing. Allele origin: germline.

Ambry Genetics
Classification: Uncertain significance for Inborn genetic diseases. Last evaluated: 2016-08-24. Review status: criteria provided, single submitter. Criteria: Ambry Variant Classification Scheme 2023. Collection method: clinical testing. Allele origin: germline.
Comment: The c.60A>G variant (also known as p.Q20Q), located in coding exon 1, results from an A to G substitution at nucleotide position 60 of the MBD5 gene. This nucleotide substitution does not change the amino acid at codon 20. This variant was not reported in population based cohorts in the following databases: Database of Single Nucleotide Polymorphisms (dbSNP), NHLBI Exome Sequencing Project (ESP), and 1000 Genomes Project. In the ESP, this variant was not observed in 6503 samples (13006 alleles) with coverage at this position. This nucleotide position is not well conserved in available vertebrate species. Using the BDGP and ESEfinder splice site prediction tools, this alteration is predicted to create a new alternate splice acceptor site; however, direct evidence is unavailable. Since supporting evidence is limited at this time, the clinical significance of this variant remains unclear.

GeneDx
Classification: Likely benign. Last evaluated: 2016-05-31. Review status: criteria provided, single submitter. Criteria: GeneDx Variant Classification (06012015). Collection method: clinical testing. Allele origin: germline. Affected: yes.
Comment: This variant is considered likely benign or benign based on one or more of the following criteria: it is a conservative change, it occurs at a poorly conserved position in the protein, it is predicted to be benign by multiple in silico algorithms, and/or has population frequency not consistent with disease.

NM_001378120.1(MBD5):c.60A>G (p.Gln20=)

Gene: MBD5 (methyl-CpG binding domain protein 5; plus strand). Cytogenetic location: 2q23.1.
Variant type: single nucleotide variant.
Coding change: c.60A>G on transcript NM_001378120.1 (MANE Select); coding-DNA position 60, A replaced by G.
Protein change: p.Gln20=; no amino-acid change (glutamine 20 retained).
Molecular consequence: synonymous variant.
Genome position (GRCh38, 1-based): chr2:148,458,818, A>G. VCF-style: chr2-148458818-A-G. GRCh37 (hg19) VCF-style: chr2-149216387-A-G.
Other names: c.60A>G, p.Gln20= (NM_018328.5).
Identifiers: ClinVar variation 386565 (VCV000386565.10), dbSNP rs1057522537, ClinGen allele CA16603813.
Genomic context (GRCh38, chr2:148,458,818, plus strand): 5'-AATGAATGGAGGCAAAGAGTGTGACGGAGGGGACAAGGAAGGAGGTCTTCCAGCTATACA[A>G]GTTCCTGTGGGTTGGCAGCGTCGTGTGGATCAAAATGGAGTGCTTTATGTCAGGTAAGTT-3'
Protein context (NP_001365049.1, residues 10-30): GDKEGGLPAI[Gln20=]VPVGWQRRVD